The following is an entry in ClinVar:

NM_001308093.3(GATA4):c.1036G>A (p.Gly346Ser)

Gene: GATA4 (GATA binding protein 4). Cytogenetic location: 8p23.1.
Variant type: single nucleotide variant.
Coding change: c.1036G>A on transcript NM_001308093.3 (MANE Select); coding-DNA position 1036, G replaced by A.
Protein change: p.Gly346Ser; replaces glycine 346 with serine.
Molecular consequence: missense variant.
Genome position (GRCh38, 1-based): chr8:11,756,970, G>A. VCF-style: chr8-11756970-G-A. GRCh37 (hg19) VCF-style: chr8-11614479-G-A.
Other names: c.415G>A, p.Gly139Ser (NM_001308094.2, NM_001374273.1); c.289G>A, p.Gly97Ser (NM_001374274.1); c.1033G>A, p.Gly345Ser (NM_002052.5); c.1033G>A (NM_002052.3); short protein forms G139S, G345S, G346S, G97S.
Identifiers: ClinVar variation 975395 (VCV000975395.14), dbSNP rs779421943, ClinGen allele CA4630807.
Genomic context (GRCh38, chr8:11,756,970, plus strand): 5'-GTGTGCTGACTCTGCTTCATTCCAGCTCCTTCAGGCAGTGAGAGCCTTCCTCCCGCCAGC[G>A]GTGCTTCCAGCAACTCCAGCAACGCCACCACCAGCAGCAGCGAGGAGATGCGTCCCATCA-3'
Protein context (NP_001295022.1, residues 336-356): SGSESLPPAS[Gly346Ser]ASSNSSNATT

ClinVar aggregate classification (germline): Uncertain significance. Review status: criteria provided, multiple submitters, no conflicts (2 of 4 stars). 4 submissions from 4 submitters: Uncertain significance (3). 1 of the submissions does not count toward it. Last evaluated 2025-11-06.

Conditions:
Atrioventricular septal defect 4 (AVSD4). Identifiers: MedGen C3280781, MONDO:0013747, OMIM 614430.
Intellectual disability. Also called: intellectual disabilities; Intellectual developmental disorder; Intellectual functioning disability. Identifiers: MedGen C3714756, MeSH D008607, MONDO:0001071, HP:0001249.

Allele frequency attached by ClinVar (database versions not stated): gnomAD exomes 0.00001; ExAC 0.00001; TOPMed 0.00001.
gnomAD v4.1: 13 of 1,614,096 alleles (0.00081%); highest among the groups gnomAD compares: East Asian, 0.0045%; no homozygotes.

Submissions (4):

Labcorp Genetics (formerly Invitae), Labcorp
Classification: Uncertain significance for Atrioventricular septal defect 4. Last evaluated: 2025-11-06. Review status: criteria provided, single submitter. Criteria: Invitae Variant Classification Sherloc (09022015). Collection method: clinical testing. Allele origin: germline.
Comment: This sequence change replaces glycine, which is neutral and non-polar, with serine, which is neutral and polar, at codon 345 of the GATA4 protein (p.Gly345Ser). This variant is present in population databases (rs779421943, gnomAD 0.002%). This variant has not been reported in the literature in individuals affected with GATA4-related conditions. ClinVar contains an entry for this variant (Variation ID: 975395). Invitae Evidence Modeling of protein sequence and biophysical properties (such as structural, functional, and spatial information, amino acid conservation, physicochemical variation, residue mobility, and thermodynamic stability) indicates that this missense variant is not expected to disrupt GATA4 protein function with a negative predictive value of 95%. In summary, the available evidence is currently insufficient to determine the role of this variant in disease. Therefore, it has been classified as a Variant of Uncertain Significance.

GeneDx
Classification: Uncertain significance. Last evaluated: 2024-11-19. Review status: criteria provided, single submitter. Criteria: GeneDx Variant Classification Process June 2021. Collection method: clinical testing. Allele origin: germline. Affected: yes.
Comment: Not observed at significant frequency in large population cohorts (gnomAD); In silico analysis indicates that this missense variant does not alter protein structure/function; Has not been previously published as pathogenic or benign to our knowledge

Revvity Omics, Revvity
Classification: Uncertain significance. Last evaluated: 2024-06-07. Review status: criteria provided, single submitter. Criteria: ACMG Guidelines, 2015. Collection method: clinical testing. Allele origin: germline.

Centre de Biologie Pathologie Génétique, Centre Hospitalier Universitaire de Lille
Classification: Likely benign for Intellectual disability. Last evaluated: 2019-01-01. Review status: no assertion criteria provided. Collection method: clinical testing. Allele origin: inherited. Affected: yes. Not counted in ClinVar's aggregate classification.